The following is an entry in ClinVar:

ClinVar aggregate classification (germline): Uncertain significance. Review status: criteria provided, multiple submitters, no conflicts (2 of 4 stars). 2 submissions from 2 submitters: Uncertain significance (2). Last evaluated 2025-04-30.

Conditions:
Hereditary cancer-predisposing syndrome. Also called: Neoplastic Syndromes, Hereditary; Tumor predisposition; Hereditary Cancer Syndrome; Hereditary neoplastic syndrome. Identifiers: Orphanet 140162, MedGen C0027672, MeSH D009386, MONDO:0015356.
Tuberous sclerosis 2 (TSC2). Identifiers: Orphanet 805, MedGen C1860707, MONDO:0013199, OMIM 613254.

Submissions (2):

Labcorp Genetics (formerly Invitae), Labcorp
Classification: Uncertain significance for Tuberous sclerosis 2. Last evaluated: 2025-04-30. Review status: criteria provided, single submitter. Criteria: Invitae Variant Classification Sherloc (09022015). Collection method: clinical testing. Allele origin: germline.
Comment: This sequence change replaces proline, which is neutral and non-polar, with threonine, which is neutral and polar, at codon 1166 of the TSC2 protein (p.Pro1166Thr). This variant is not present in population databases (gnomAD no frequency). This variant has not been reported in the literature in individuals affected with TSC2-related conditions. ClinVar contains an entry for this variant (Variation ID: 1731984). Invitae Evidence Modeling of protein sequence and biophysical properties (such as structural, functional, and spatial information, amino acid conservation, physicochemical variation, residue mobility, and thermodynamic stability) indicates that this missense variant is not expected to disrupt TSC2 protein function with a negative predictive value of 95%. In summary, the available evidence is currently insufficient to determine the role of this variant in disease. Therefore, it has been classified as a Variant of Uncertain Significance.

Ambry Genetics
Classification: Uncertain significance for Hereditary cancer-predisposing syndrome. Last evaluated: 2022-08-22. Review status: criteria provided, single submitter. Criteria: Ambry Variant Classification Scheme 2023. Collection method: clinical testing. Allele origin: germline.
Comment: The p.P1166T variant (also known as c.3496C>A), located in coding exon 29 of the TSC2 gene, results from a C to A substitution at nucleotide position 3496. The proline at codon 1166 is replaced by threonine, an amino acid with highly similar properties. This amino acid position is conserved. In addition, this alteration is predicted to be tolerated by in silico analysis. Since supporting evidence is limited at this time, the clinical significance of this alteration remains unclear.

NM_000548.5(TSC2):c.3496C>A (p.Pro1166Thr)

Gene: TSC2 (TSC complex subunit 2; plus strand). Cytogenetic location: 16p13.3.
Variant type: single nucleotide variant.
Coding change: c.3496C>A on transcript NM_000548.5 (MANE Select); coding-DNA position 3496, C replaced by A.
Protein change: p.Pro1166Thr; replaces proline 1166 with threonine.
Molecular consequence: missense variant.
Genome position (GRCh38, 1-based): chr16:2,080,263, C>A. VCF-style: chr16-2080263-C-A. GRCh37 (hg19) VCF-style: chr16-2130264-C-A.
Other names: c.3364C>A, p.Pro1122Thr (NM_001077183.3, NM_001370404.1, NM_001406665.1); c.3496C>A, p.Pro1166Thr (NM_001114382.3); c.3256C>A, p.Pro1086Thr (NM_001318827.2); c.3220C>A, p.Pro1074Thr (NM_001318829.2); c.2764C>A, p.Pro922Thr (NM_001318831.2, NM_001406687.1, NM_001406688.1); c.3397C>A, p.Pro1133Thr (NM_001318832.2); c.3367C>A, p.Pro1123Thr (NM_001363528.2, NM_001370405.1, NM_021055.3); c.3493C>A, p.Pro1165Thr (NM_001406663.1, NM_001406664.1); and 18 more; short protein forms P1116T, P1117T, P1123T, P1133T, P1153T, P966T, P1085T, P1119T.
Identifiers: ClinVar variation 1731984 (VCV001731984.3), dbSNP rs1265032446, ClinGen allele CA394289122.